The following is an entry in ClinVar:

NM_000059.4(BRCA2):c.4493G>A (p.Gly1498Asp)

Gene: BRCA2 (BRCA2 DNA repair associated; plus strand). Cytogenetic location: 13q13.1.
Variant type: single nucleotide variant.
Coding change: c.4493G>A on transcript NM_000059.4 (MANE Select); coding-DNA position 4493, G replaced by A.
Protein change: p.Gly1498Asp; replaces glycine 1498 with aspartic acid.
Molecular consequence: missense variant.
Genome position (GRCh38, 1-based): chr13:32,338,848, G>A. VCF-style: chr13-32338848-G-A. GRCh37 (hg19) VCF-style: chr13-32912985-G-A.
Other names: short protein forms G1498D.
Identifiers: ClinVar variation 438980 (VCV000438980.13), dbSNP rs1555283809, ClinGen allele CA387781553.

ClinVar aggregate classification (germline): Conflicting classifications of pathogenicity. Review status: criteria provided, conflicting classifications (1 of 4 stars). 3 submissions from 3 submitters: Uncertain significance (2); Likely benign (1). Last evaluated 2023-04-17.

Conditions:
Hereditary cancer-predisposing syndrome. Also called: Hereditary neoplastic syndrome; Hereditary Cancer Syndrome; Tumor predisposition; Neoplastic Syndromes, Hereditary. Identifiers: Orphanet 140162, MedGen C0027672, MeSH D009386, MONDO:0015356.
Hereditary breast ovarian cancer syndrome. Also called: Breast and ovarian cancer; Hereditary breast and ovarian cancer; BRCA1- and BRCA2-Associated Hereditary Breast and Ovarian Cancer; Hereditary breast and/or ovarian cancer syndrome; Hereditary breast and ovarian cancer syndrome; Hereditary breast and ovarian cancer syndrome (HBOC). Identifiers: Orphanet 145, MedGen C0677776, MeSH D061325, MONDO:0003582. Disease mechanism: loss of function.

Submissions (3):

Labcorp Genetics (formerly Invitae), Labcorp
Classification: Uncertain significance for Hereditary breast ovarian cancer syndrome. Last evaluated: 2023-04-17. Review status: criteria provided, single submitter. Criteria: Invitae Variant Classification Sherloc (09022015). Collection method: clinical testing. Allele origin: germline.
Comment: ClinVar contains an entry for this variant (Variation ID: 438980). This sequence change replaces glycine, which is neutral and non-polar, with aspartic acid, which is acidic and polar, at codon 1498 of the BRCA2 protein (p.Gly1498Asp). This variant is not present in population databases (gnomAD no frequency). This variant has not been reported in the literature in individuals affected with BRCA2-related conditions. Advanced modeling of protein sequence and biophysical properties (such as structural, functional, and spatial information, amino acid conservation, physicochemical variation, residue mobility, and thermodynamic stability) performed at Invitae indicates that this missense variant is not expected to disrupt BRCA2 protein function. In summary, the available evidence is currently insufficient to determine the role of this variant in disease. Therefore, it has been classified as a Variant of Uncertain Significance.

University of Washington Department of Laboratory Medicine, University of Washington
Classification: Likely benign for Hereditary cancer-predisposing syndrome. Last evaluated: 2023-03-23. Review status: criteria provided, single submitter. Criteria: Dines et al. (Genet Med. 2020). Collection method: curation. Allele origin: germline.
Comment: Missense variant in a coldspot region where missense variants are very unlikely to be pathogenic (PMID:31911673).

BRCA2 exon 11 coldspot. Reclassification based on statistical prior probability.

Quest Diagnostics Nichols Institute San Juan Capistrano
Classification: Uncertain significance. Last evaluated: 2017-03-01. Review status: criteria provided, single submitter. Criteria: Quest Diagnostics criteria. Collection method: clinical testing. Allele origin: germline.